The following is an entry in ClinVar:

ClinVar aggregate classification (germline): Likely pathogenic (1 of 4 stars; one submission).

Conditions:
Rare genetic deafness. Identifiers: Orphanet 96210, MedGen C5680250.

Submission:

Laboratory for Molecular Medicine, Mass General Brigham Personalized Medicine
Classification: Likely pathogenic for Rare genetic deafness. Last evaluated: 2018-12-27. Review status: criteria provided, single submitter. Criteria: LMM Criteria. Collection method: clinical testing. Allele origin: germline. Inheritance: Autosomal dominant inheritance. Observed: 1 variant allele.
Comment: The p.Ser153HisfsX44 variant in EYA4 has not been previously reported in individ uals with hearing loss and was absent from large population studies. This varian t is predicted to cause a frameshift, which alters the protein?s amino acid sequ ence beginning at position 153 and leads to a premature termination codon 44 ami no acids downstream. This alteration is then predicted to lead to a truncated or absent protein. Heterozygous loss of function of the EYA4 gene is an establishe d disease mechanism in autosomal dominant hearing loss. In summary, although add itional studies are required to fully establish its clinical significance, the p .Ser153HisfsX44 variant is likely pathogenic for autosomal dominant hearing loss . ACMG/AMP criteria applied: PVS1, PM2.

NM_004100.5(EYA4):c.456_459del (p.Ser153fs)

Gene: EYA4 (EYA transcriptional coactivator and phosphatase 4; plus strand). Cytogenetic location: 6q23.2.
Variant type: Microsatellite.
Coding change: c.456_459del on transcript NM_004100.5 (MANE Select); coding-DNA positions 456 to 459, 4 bases deleted (TTCT; older notation c.456_459delTTCT).
Protein change: p.Ser153fs; shifts the reading frame from serine 153.
Molecular consequence: frameshift variant.
Genome position (GRCh38, 1-based): chr6:133,462,353-133,462,356, TTCT deleted; deleting any 4 consecutive bases within chr6:133,462,349-133,462,356 gives the same sequence; the c. name uses the placement nearest the transcript's 3' end. VCF-style (leftmost placement, unchanged base first): chr6-133462348-ATTCT-A. GRCh37 (hg19) VCF-style: chr6-133783486-ATTCT-A.
Other names: c.294_297del, p.Ser99fs (NM_001301012.2, NM_001370459.1); c.456_459del, p.Ser153fs (NM_001301013.2, NM_172105.4); c.387_390del, p.Ser130fs (NM_001370458.1, NM_172103.4); short protein forms S130fs, S153fs, S99fs.
Identifiers: ClinVar variation 667002 (VCV000667002.4), dbSNP rs1583345314, ClinGen allele CA915944378.